The following is an entry in ClinVar:

ClinVar aggregate classification (germline): Uncertain significance. Review status: criteria provided, single submitter (1 of 4 stars). 2 submissions from 2 submitters: Uncertain significance (1). 1 of the submissions does not count toward it. Last evaluated 2025-07-15.

Conditions:
Familial cancer of breast. Also called: BREAST CANCER, FAMILIAL; Hereditary breast cancer; hereditary breast carcinoma. Identifiers: Orphanet 227535, MedGen C0346153, MONDO:0016419, OMIM 114480. Disease mechanism: loss of function.
Fanconi anemia complementation group J. Also called: BRIP1-Related Fanconi Anemia. Identifiers: Orphanet 84, MedGen C1836860, MONDO:0012187, OMIM 609054.
Ovarian cancer. Also called: OVARIAN CANCER, SOMATIC. Identifiers: Orphanet 213500, MedGen C1140680, MONDO:0008170, OMIM 167000.

Submissions (2):

Labcorp Genetics (formerly Invitae), Labcorp
Classification: Uncertain significance for Familial cancer of breast; Fanconi anemia complementation group J. Last evaluated: 2025-07-15. Review status: criteria provided, single submitter. Criteria: Invitae Variant Classification Sherloc (09022015). Collection method: clinical testing. Allele origin: germline.
Comment: This sequence change creates a premature translational stop signal (p.Thr1133Tyrfs*3) in the BRIP1 gene. While this is not anticipated to result in nonsense mediated decay, it is expected to disrupt the last 117 amino acid(s) of the BRIP1 protein. This variant is not present in population databases (gnomAD no frequency). This variant has not been reported in the literature in individuals affected with BRIP1-related conditions. ClinVar contains an entry for this variant (Variation ID: 1713219). In summary, the available evidence is currently insufficient to determine the role of this variant in disease. Therefore, it has been classified as a Variant of Uncertain Significance.

BRCAlab, Lund University
Classification: Pathogenic for Ovarian cancer. Last evaluated: 2022-08-26. Review status: no assertion criteria provided. Collection method: clinical testing. Allele origin: germline. Affected: yes. Not counted in ClinVar's aggregate classification.

NM_032043.3(BRIP1):c.3396dup (p.Thr1133fs)

Gene: BRIP1 (BRCA1 interacting DNA helicase 1; minus strand). Cytogenetic location: 17q23.2.
Variant type: Duplication.
Coding change: c.3396dup on transcript NM_032043.3 (MANE Select); coding-DNA position 3396, one base duplicated (T; older notation c.3396dupT).
Protein change: p.Thr1133fs; shifts the reading frame from threonine 1133.
Molecular consequence: frameshift variant.
Genome position (GRCh38, 1-based): chr17:61,683,650, A duplicated on the plus strand (T on the coding strand, the reverse complement: BRIP1 is on the minus strand); the first of 4 consecutive A bases (chr17:61,683,650-61,683,653); duplicating any one gives the same sequence. VCF-style (leftmost placement, unchanged base first): chr17-61683649-T-TA. GRCh37 (hg19) VCF-style: chr17-59761010-T-TA.
Other names: short protein forms T1133fs.
Identifiers: ClinVar variation 1713219 (VCV001713219.12), dbSNP rs2544556594, ClinGen allele CA2580094559.